The following is an entry in ClinVar:

ClinVar aggregate classification (germline): Uncertain significance (1 of 4 stars; one submission).

Submission:

Labcorp Genetics (formerly Invitae), Labcorp
Classification: Uncertain significance. Last evaluated: 2022-02-24. Review status: criteria provided, single submitter. Criteria: Invitae Variant Classification Sherloc (09022015). Collection method: clinical testing. Allele origin: germline.
Comment: This sequence change replaces threonine, which is neutral and polar, with asparagine, which is neutral and polar, at codon 494 of the RIMS1 protein (p.Thr494Asn). This variant is not present in population databases (gnomAD no frequency). This variant has not been reported in the literature in individuals affected with RIMS1-related conditions. Algorithms developed to predict the effect of missense changes on protein structure and function are either unavailable or do not agree on the potential impact of this missense change (SIFT: "Deleterious"; PolyPhen-2: "Benign"; Align-GVGD: "Class C0"). In summary, the available evidence is currently insufficient to determine the role of this variant in disease. Therefore, it has been classified as a Variant of Uncertain Significance.

NM_014989.7(RIMS1):c.1481C>A (p.Thr494Asn)

Gene: RIMS1 (regulating synaptic membrane exocytosis 1; plus strand). Cytogenetic location: 6q13.
Variant type: single nucleotide variant.
Coding change: c.1481C>A on transcript NM_014989.7 (MANE Select); coding-DNA position 1481, C replaced by A.
Protein change: p.Thr494Asn; replaces threonine 494 with asparagine.
Molecular consequence: missense variant.
Genome position (GRCh38, 1-based): chr6:72,182,952, C>A. VCF-style: chr6-72182952-C-A. GRCh37 (hg19) VCF-style: chr6-72892655-C-A.
Other names: short protein forms T494N.
Identifiers: ClinVar variation 1377736 (VCV001377736.6), dbSNP rs2153970664, ClinGen allele CA364821571.
Genomic context (GRCh38, chr6:72,182,952, plus strand): 5'-GCCGCCTGGACCCCAGCTCGGCGGTCCTCATGCGGAAGGCCAAGCGCGAGAAGGTGGAGA[C>A]CATGCTGCGGAACGACTCTTTGAGCTCAGACCAGTCCGAGTCGGTGCGGCCGTCCCCGCC-3'
Protein context (NP_055804.2, residues 484-504): MRKAKREKVE[Thr494Asn]MLRNDSLSSD